The following is an entry in ClinVar:

NM_000059.4(BRCA2):c.5942C>G (p.Ala1981Gly)

Gene: BRCA2 (BRCA2 DNA repair associated; plus strand). Cytogenetic location: 13q13.1.
Variant type: single nucleotide variant.
Coding change: c.5942C>G on transcript NM_000059.4 (MANE Select); coding-DNA position 5942, C replaced by G.
Protein change: p.Ala1981Gly; replaces alanine 1981 with glycine.
Molecular consequence: missense variant.
Genome position (GRCh38, 1-based): chr13:32,340,297, C>G. VCF-style: chr13-32340297-C-G. GRCh37 (hg19) VCF-style: chr13-32914434-C-G.
Other names: short protein forms A1981G.
Identifiers: ClinVar variation 1010135 (VCV001010135.11), dbSNP rs2072542244, ClinGen allele CA387787572.

ClinVar aggregate classification (germline): Conflicting classifications of pathogenicity. Review status: criteria provided, conflicting classifications (1 of 4 stars). 3 submissions from 3 submitters: Uncertain significance (2); Likely benign (1). Last evaluated 2026-01-26.

Conditions:
Hereditary breast ovarian cancer syndrome. Also called: BRCA1- and BRCA2-Associated Hereditary Breast and Ovarian Cancer; Hereditary breast and ovarian cancer; Hereditary breast and ovarian cancer syndrome; Breast and ovarian cancer; Hereditary breast and/or ovarian cancer syndrome; Hereditary breast and ovarian cancer syndrome (HBOC). Identifiers: Orphanet 145, MedGen C0677776, MeSH D061325, MONDO:0003582. Disease mechanism: loss of function.
Hereditary cancer-predisposing syndrome. Also called: Tumor predisposition; Hereditary neoplastic syndrome; Neoplastic Syndromes, Hereditary; Hereditary Cancer Syndrome. Identifiers: Orphanet 140162, MedGen C0027672, MeSH D009386, MONDO:0015356.

Submissions (3):

Labcorp Genetics (formerly Invitae), Labcorp
Classification: Uncertain significance for Hereditary breast ovarian cancer syndrome. Last evaluated: 2026-01-26. Review status: criteria provided, single submitter. Criteria: Invitae Variant Classification Sherloc (09022015). Collection method: clinical testing. Allele origin: germline.
Comment: This sequence change replaces alanine, which is neutral and non-polar, with glycine, which is neutral and non-polar, at codon 1981 of the BRCA2 protein (p.Ala1981Gly). This variant is not present in population databases (gnomAD no frequency). This variant has not been reported in the literature in individuals affected with BRCA2-related conditions. ClinVar contains an entry for this variant (Variation ID: 1010135). Invitae Evidence Modeling of protein sequence and biophysical properties (such as structural, functional, and spatial information, amino acid conservation, physicochemical variation, residue mobility, and thermodynamic stability) indicates that this missense variant is not expected to disrupt BRCA2 protein function with a negative predictive value of 95%. In summary, the available evidence is currently insufficient to determine the role of this variant in disease. Therefore, it has been classified as a Variant of Uncertain Significance.

Color Diagnostics, LLC DBA Color Health
Classification: Uncertain significance for Hereditary cancer-predisposing syndrome. Last evaluated: 2025-07-20. Review status: criteria provided, single submitter. Criteria: ACMG Guidelines, 2015. Collection method: clinical testing. Allele origin: germline.
Comment: This missense variant replaces alanine with glycine at codon 1981 of the BRCA2 protein. Computational prediction is inconclusive regarding the impact of this variant on protein structure and function. To our knowledge, functional studies have not been reported for this variant. This variant has not been reported in individuals affected with BRCA2-related disorders in the literature. This variant has not been identified in the general population by the Genome Aggregation Database (gnomAD). The available evidence is insufficient to determine the role of this variant in disease conclusively. Therefore, this variant is classified as a Variant of Uncertain Significance.

University of Washington Department of Laboratory Medicine, University of Washington
Classification: Likely benign for Hereditary cancer-predisposing syndrome. Last evaluated: 2023-03-23. Review status: criteria provided, single submitter. Criteria: Dines et al. (Genet Med. 2020). Collection method: curation. Allele origin: germline.
Comment: Missense variant in a coldspot region where missense variants are very unlikely to be pathogenic (PMID:31911673).

BRCA2 exon 11 coldspot. Reclassification based on statistical prior probability.